The following is an entry in ClinVar:

ClinVar aggregate classification (germline): Uncertain significance (1 of 4 stars; one submission).

Conditions:
PLXNA2-related disorder. Also called: PLXNA2-related condition.

Submission:

PreventionGenetics, part of Exact Sciences
Classification: Uncertain significance for PLXNA2-related condition. Last evaluated: 2024-12-05. Review status: criteria provided, single submitter. Criteria: ACMG Guidelines, 2015. Collection method: clinical testing. Allele origin: germline.
Comment: The PLXNA2 c.4761T>A variant is predicted to result in premature protein termination (p.Tyr1587*). To our knowledge, this variant has not been reported in the literature or in a large population database (gnomAD), indicating this variant is rare. At this time, the clinical significance of this variant is uncertain due to the absence of conclusive functional and genetic evidence.

NM_025179.4(PLXNA2):c.4761T>A (p.Tyr1587Ter)

Gene: PLXNA2 (plexin A2; minus strand). Cytogenetic location: 1q32.2.
Variant type: single nucleotide variant.
Coding change: c.4761T>A on transcript NM_025179.4 (MANE Select); coding-DNA position 4761, T replaced by A.
Protein change: p.Tyr1587Ter; replaces tyrosine 1587 with a stop codon.
Molecular consequence: nonsense.
Genome position (GRCh38, 1-based): chr1:208,038,374, A>T on the plus strand (T>A on the coding strand, the complement: PLXNA2 is on the minus strand). VCF-style: chr1-208038374-A-T. GRCh37 (hg19) VCF-style: chr1-208211719-A-T.
Other names: short protein forms Y1587*.
Identifiers: ClinVar variation 4996792 (VCV004996792.1).